The following is an entry in ClinVar:

NM_080680.3(COL11A2):c.966dup (p.Thr323fs)

Gene: COL11A2 (collagen type XI alpha 2 chain; minus strand). Cytogenetic location: 6p21.32.
Variant type: Duplication.
Coding change: c.966dup on transcript NM_080680.3 (MANE Select); coding-DNA position 966, one base duplicated (C; older notation c.966dupC).
Protein change: p.Thr323fs; shifts the reading frame from threonine 323.
Molecular consequence: frameshift variant. On other transcripts: intron variant (2).
Genome position (GRCh38, 1-based): chr6:33,184,298, G duplicated on the plus strand (C on the coding strand, the reverse complement: COL11A2 is on the minus strand); the first of 7 consecutive G bases (chr6:33,184,298-33,184,304); duplicating any one gives the same sequence. VCF-style (leftmost placement, unchanged base first): chr6-33184297-T-TG. GRCh37 (hg19) VCF-style: chr6-33152074-T-TG.
Other names: p.Thr323HisfsTer19; c.798+2329dup (NM_080679.3); c.861+694dup (NM_080681.3); c.966dupC (NM_080680.2, NM_080680.3); short protein forms T323fs.
Identifiers: ClinVar variation 497724 (VCV000497724.59), dbSNP rs748440351, ClinGen allele CA3751500.

ClinVar aggregate classification (germline): Conflicting classifications of pathogenicity. Review status: criteria provided, conflicting classifications (1 of 4 stars). 21 submissions from 21 submitters: Pathogenic (13); Likely pathogenic (4); Uncertain significance (1). 3 of the submissions do not count toward it. Last evaluated 2026-06-01.

Conditions:
Ear malformation. Also called: CUP EAR; Abnormality of the ear. Identifiers: MedGen C0266589, MONDO:0007500, OMIM 128600, HP:0000598.
Short long bone. Also called: short long bones. Identifiers: MedGen C1854912, HP:0003026.
Abnormal heart morphology. Also called: Abnormality of cardiac morphology; Heart, malformation of. Identifiers: MedGen C0018798, MeSH D006330, HP:0001627.
Thickened nuchal skin fold. Identifiers: MedGen C1836940, HP:0000474.
Cystic hygroma. Identifiers: MedGen C0206620, MONDO:0009761, HP:0000476.
Otospondylomegaepiphyseal dysplasia, autosomal dominant (OSMEDA). Also called: Pierre Robin syndrome with fetal chondrodysplasia; COL11A2-Related Stickler Syndrome; Stickler syndrome, type 3. Identifiers: Orphanet 166100, Orphanet 3450, MedGen C1848488, MONDO:0008490, OMIM 184840.
Autosomal dominant nonsyndromic hearing loss 13. Identifiers: Orphanet 90635, MedGen C1866095, MONDO:0011159, OMIM 601868.
Otospondylomegaepiphyseal dysplasia, autosomal recessive (OSMEDB). Also called: CHONDRODYSTROPHY WITH SENSORINEURAL DEAFNESS; Insley-Astley syndrome. Identifiers: Orphanet 1427, MedGen CN034493, MONDO:0044206, OMIM 215150.
Autosomal recessive nonsyndromic hearing loss 53. Identifiers: Orphanet 90636, MedGen C1864746, MONDO:0012333, OMIM 609706.
Fibrochondrogenesis 2 (FBCG2). Identifiers: Orphanet 2021, MedGen C3281128, MONDO:0013795, OMIM 614524.
COL11A2-related disorder. Also called: COL11A2-related condition; COL11A2-related disorders.
Deafness. Identifiers: MedGen C0011053.

Submissions 1 to 15 of 21:

CeGaT Center for Human Genetics Tuebingen
Classification: Pathogenic. Last evaluated: 2026-06-01. Review status: criteria provided, single submitter. Criteria: CeGaT Center For Human Genetics Tuebingen Variant Classification Criteria Version 2. Collection method: clinical testing. Allele origin: germline. Affected: yes. Observed: 1 variant allele.
Comment: COL11A2: PVS1, PM2, PM3

Labcorp Genetics (formerly Invitae), Labcorp
Classification: Pathogenic. Last evaluated: 2026-02-01. Review status: criteria provided, single submitter. Criteria: Invitae Variant Classification Sherloc (09022015). Collection method: clinical testing. Allele origin: germline.
Comment: This sequence change creates a premature translational stop signal (p.Thr323Hisfs*19) in the COL11A2 gene. It is expected to result in an absent or disrupted protein product. Loss-of-function variants in COL11A2 are known to be pathogenic (PMID: 10677296, 21204229). This variant is present in population databases (rs748440351, gnomAD 0.02%). This premature translational stop signal has been observed in individual(s) with clinical features of autosomal recessive COL11A2-related conditions (PMID: 29456477, 31299979). ClinVar contains an entry for this variant (Variation ID: 497724). Algorithms developed to predict the effect of sequence changes on RNA splicing suggest that this variant may disrupt the consensus splice site. For these reasons, this variant has been classified as Pathogenic.

First Genomix Gene Laboratory, Genetic Diagnostics Department
Classification: Pathogenic for Autosomal recessive nonsyndromic hearing loss 53; Otospondylomegaepiphyseal dysplasia, autosomal recessive; Fibrochondrogenesis 2. Last evaluated: 2025-06-16. Review status: criteria provided, single submitter. Criteria: ACMG Guidelines, 2015. Collection method: clinical testing. Allele origin: germline. Inheritance: Autosomal recessive inheritance. Affected: no. Observed: 1 variant allele.

Clinical Genetics Laboratory, Skane University Hospital Lund
Classification: Likely pathogenic. Last evaluated: 2025-06-12. Review status: criteria provided, single submitter. Criteria: ACMG Guidelines, 2015. Collection method: clinical testing. Allele origin: germline. Affected: yes.
Comment: ACMG criteria used: PVS1, PM2

Clinical Genomics, G42 Labs
Classification: Uncertain significance for Otospondylomegaepiphyseal dysplasia, autosomal recessive. Last evaluated: 2025-02-27. Review status: criteria provided, single submitter. Criteria: ACMG Guidelines, 2015. Collection method: clinical testing. Allele origin: germline. Inheritance: Autosomal recessive inheritance. Affected: yes. Observed: 1 variant allele.
Comment: The c.966dup, p.(Thr323fs*19) is a frameshift variant in the COL11A2 gene, thereby leading to premature truncation of the protein at 19 amino acids downstream to codon 323. Loss of function is a known mechanism of disease in COL11A2 gene (PMID: 21204229, 10677296). Allele frequency of this variant in gnomAD population database is 0.008% (12/151814 alleles, no homozygotes). Nine out of twelve clinical laboratories have classified this variant as pathogenic and three as likely pathogenic in ClinVar (Variation IID: VCV000497724.48). The variant has previously been reported in individuals with hearing loss (PMID: 26445815, 29456477, 31299979, 33111345). Based on the above reasons, this variant is classified as Pathogenic. ACMG Criteria: PVS1, PM2, PP5 - Pathogenic.

Department of Human Genetics, Hannover Medical School
Classification: Pathogenic for Otospondylomegaepiphyseal dysplasia, autosomal recessive. Last evaluated: 2024-10-23. Review status: criteria provided, single submitter. Criteria: ACMG Guidelines, 2015. Collection method: clinical testing. Allele origin: germline. Inheritance: Autosomal recessive inheritance. Affected: yes.
Comment: ACMG: PVS1, PM2_Supporting, PM3_Strong, PP1_Moderate

Dubai Health Genomic Medicine Center, Dubai Health
Classification: Pathogenic for Deafness. Last evaluated: 2024-10-04. Review status: criteria provided, single submitter. Criteria: ACMG Guidelines, 2015. Collection method: research. Allele origin: germline. Affected: yes.
Comment: PVS1,PM3(strong),PM2

Fulgent Genetics
Classification: Pathogenic for Otospondylomegaepiphyseal dysplasia, autosomal dominant; Otospondylomegaepiphyseal dysplasia, autosomal recessive; Autosomal dominant nonsyndromic hearing loss 13; Autosomal recessive nonsyndromic hearing loss 53; Fibrochondrogenesis 2. Last evaluated: 2024-03-19. Review status: criteria provided, single submitter. Criteria: ACMG Guidelines, 2015. Collection method: clinical testing. Allele origin: germline.

Blueprint Genetics
Classification: Pathogenic for COL11A2-related disorders. Last evaluated: 2024-01-12. Review status: criteria provided, single submitter. Criteria: ACMG Guidelines, 2015. Collection method: clinical testing. Allele origin: germline. Affected: yes. Observed: 5 variant alleles.

GeneDx
Classification: Pathogenic. Last evaluated: 2023-01-17. Review status: criteria provided, single submitter. Criteria: GeneDx Variant Classification Process June 2021. Collection method: clinical testing. Allele origin: germline. Affected: yes.
Comment: Frameshift variant predicted to result in protein truncation or nonsense mediated decay in a gene for which loss-of-function is a known mechanism of disease; This variant is associated with the following publications: (PMID: 29456477, 26445815, 31299979, 31980526, 34265623, 31850270, 33597575, 36056583)

Breakthrough Genomics
Classification: Likely pathogenic for Otospondylomegaepiphyseal dysplasia, autosomal dominant. Last evaluated: 2022-08-22. Review status: criteria provided, single submitter. Criteria: ACMG Guidelines, 2015. Collection method: clinical testing. Allele origin: germline. Affected: yes.
Comment: This variant has been previously reported in heterozygous state in a patient with fibrocartilage hyperplasia type II [PMID: 31299979] and also reported in 3 Iranian individuals with hearing loss in homozygous state [PMID: 29456477]. Loss-of-function variants in the COL11A2 gene are known to be pathogenic [PMID: 10677296, 21204229].

3billion
Classification: Pathogenic for Autosomal recessive nonsyndromic hearing loss 53. Last evaluated: 2022-05-22. Review status: criteria provided, single submitter. Criteria: ACMG Guidelines, 2015. Collection method: clinical testing. Allele origin: germline. Affected: yes. Observed: 1 heterozygote.
Comment: The variant is observed at an extremely low frequency in the gnomAD v2.1.1 dataset (total allele frequency: 0.012%). Frameshift: predicted to result in a loss or disruption of normal protein function through nonsense-mediated decay (NMD) or protein truncation. Multiple pathogenic variants are reported downstream of the variant. The variant has been reported to be in trans with a pathogenic variant as either compound heterozygous or homozygous in at least one similarly affected unrelated individual (PMID: 33111345). The variant has been reported to co-segregate with the disease in at least 3 similarly affected relatives/individuals in the same family or similarly affected unrelated family (PMID:33111345). The variant has been reported at least twice as pathogenic with clinical assertions and evidence for the classification (ClinVar ID: VCV000497724). Therefore, this variant is classified as pathogenic according to the recommendation of ACMG/AMP guideline.

Kariminejad - Najmabadi Pathology & Genetics Center
Classification: Pathogenic for Ear malformation. Last evaluated: 2021-07-10. Review status: criteria provided, single submitter. Criteria: ACMG Guidelines, 2015. Collection method: clinical testing. Allele origin: germline. Affected: yes.

Revvity Omics, Revvity
Classification: Likely pathogenic. Last evaluated: 2020-09-25. Review status: criteria provided, single submitter. Criteria: ACMG Guidelines, 2015. Collection method: clinical testing. Allele origin: germline.

Center for Reproductive Medicine, Peking University Third Hospital
Classification: Likely pathogenic for Abnormal heart morphology; Short long bone; Cystic hygroma; Thickened nuchal skin fold. Last evaluated: 2019-10-16. Review status: criteria provided, single submitter. Criteria: ACMG Guidelines, 2015. Collection method: clinical testing. Allele origin: germline. Affected: yes.